The following is an entry in ClinVar:

ClinVar aggregate classification (germline): Uncertain significance (1 of 4 stars; one submission).

Allele frequency attached by ClinVar (database versions not stated): gnomAD 0.00001; TOPMed 0.00001.
gnomAD v4.1: 2 of 1,614,070 alleles (0.00012%); highest among the groups gnomAD compares: Admixed American, 0.0017%; no homozygotes.

Submission:

Labcorp Genetics (formerly Invitae), Labcorp
Classification: Uncertain significance. Last evaluated: 2025-12-24. Review status: criteria provided, single submitter. Criteria: Invitae Variant Classification Sherloc (09022015). Collection method: clinical testing. Allele origin: germline.
Comment: This sequence change replaces isoleucine, which is neutral and non-polar, with methionine, which is neutral and non-polar, at codon 734 of the POLE protein (p.Ile734Met). This variant is not present in population databases (gnomAD no frequency). This variant has not been reported in the literature in individuals affected with POLE-related conditions. ClinVar contains an entry for this variant (Variation ID: 1057568). Invitae Evidence Modeling of protein sequence and biophysical properties (such as structural, functional, and spatial information, amino acid conservation, physicochemical variation, residue mobility, and thermodynamic stability) indicates that this missense variant is not expected to disrupt POLE protein function with a negative predictive value of 80%. In summary, the available evidence is currently insufficient to determine the role of this variant in disease. Therefore, it has been classified as a Variant of Uncertain Significance.

NM_006231.4(POLE):c.2202C>G (p.Ile734Met)

Gene: POLE (DNA polymerase epsilon, catalytic subunit; minus strand). Cytogenetic location: 12q24.33.
Variant type: single nucleotide variant.
Coding change: c.2202C>G on transcript NM_006231.4 (MANE Select); coding-DNA position 2202, C replaced by G.
Protein change: p.Ile734Met; replaces isoleucine 734 with methionine.
Molecular consequence: missense variant.
Genome position (GRCh38, 1-based): chr12:132,667,620, G>C on the plus strand (C>G on the coding strand, the complement: POLE is on the minus strand). VCF-style: chr12-132667620-G-C. GRCh37 (hg19) VCF-style: chr12-133244206-G-C.
Other names: short protein forms I734M.
Identifiers: ClinVar variation 1057568 (VCV001057568.8), dbSNP rs2042826406, ClinGen allele CA387352310.
Genomic context (GRCh38, chr12:132,667,620, plus strand): 5'-GTAGAAGGAGTTTTCCCGCTGGCAGATGGTGGTGAGACGCTCTTCCACCTTGGTGATGTG[G>C]ATCTTCTTGTAGGCTTTCCGGCAGTAATCTAAGCACGACGGAGATGGGCAGAGCAGGTGG-3'
Protein context (NP_006222.2, residues 724-744): ADYCRKAYKK[Ile734Met]HITKVEERLT